The following is an entry in ClinVar:

NM_181741.4(ORC4):c.1136T>C (p.Leu379Ser)

Gene: ORC4 (origin recognition complex subunit 4; minus strand). Cytogenetic location: 2q23.1.
Variant type: single nucleotide variant.
Coding change: c.1136T>C on transcript NM_181741.4 (MANE Select); coding-DNA position 1136, T replaced by C.
Protein change: p.Leu379Ser; replaces leucine 379 with serine.
Molecular consequence: missense variant.
Genome position (GRCh38, 1-based): chr2:147,935,685, A>G on the plus strand (T>C on the coding strand, the complement: ORC4 is on the minus strand). VCF-style: chr2-147935685-A-G. GRCh37 (hg19) VCF-style: chr2-148693254-A-G.
Other names: c.1136T>C, p.Leu379Ser (NM_001190879.3, NM_001374270.1, NM_002552.5 and 1 more transcripts); c.884T>C, p.Leu295Ser (NM_001190881.3, NM_001374272.1); c.914T>C, p.Leu305Ser (NM_001190882.3); short protein forms L379S, L295S, L305S.
Identifiers: ClinVar variation 211804 (VCV000211804.8), dbSNP rs780860667, ClinGen allele CA206911.

ClinVar aggregate classification (germline): Uncertain significance. Review status: criteria provided, multiple submitters, no conflicts (2 of 4 stars). 3 submissions from 3 submitters: Uncertain significance (3). Last evaluated 2024-01-08.

Conditions:
Inborn genetic diseases. Identifiers: MedGen C0950123, MeSH D030342.

Allele frequency attached by ClinVar (database versions not stated): gnomAD 0.00001 and 0.00002; ExAC 0.00002; gnomAD exomes 0.00002 and 0.00003; TOPMed 0.00005.
gnomAD v4.1: 17 of 1,612,204 alleles (0.0011%); highest among the groups gnomAD compares: Admixed American, 0.012%; no homozygotes.

Submissions (3):

Ambry Genetics
Classification: Uncertain significance for Inborn genetic diseases. Last evaluated: 2024-01-08. Review status: criteria provided, single submitter. Criteria: Ambry Variant Classification Scheme 2023. Collection method: clinical testing. Allele origin: germline.

Labcorp Genetics (formerly Invitae), Labcorp
Classification: Uncertain significance. Last evaluated: 2022-03-19. Review status: criteria provided, single submitter. Criteria: Invitae Variant Classification Sherloc (09022015). Collection method: clinical testing. Allele origin: germline.
Comment: This sequence change replaces leucine, which is neutral and non-polar, with serine, which is neutral and polar, at codon 379 of the ORC4 protein (p.Leu379Ser). This variant is present in population databases (rs780860667, gnomAD 0.009%). This variant has not been reported in the literature in individuals affected with ORC4-related conditions. ClinVar contains an entry for this variant (Variation ID: 211804). Algorithms developed to predict the effect of missense changes on protein structure and function (SIFT, PolyPhen-2, Align-GVGD) all suggest that this variant is likely to be disruptive. In summary, the available evidence is currently insufficient to determine the role of this variant in disease. Therefore, it has been classified as a Variant of Uncertain Significance.

Genetic Services Laboratory, University of Chicago
Classification: Uncertain significance. Last evaluated: 2014-09-16. Review status: criteria provided, single submitter. Criteria: ACMG Guidelines, 2015. Collection method: clinical testing. Allele origin: germline.